The following is an entry in ClinVar:

NM_002863.5(PYGL):c.698G>A (p.Gly233Asp)

Gene: PYGL (glycogen phosphorylase L; minus strand). Cytogenetic location: 14q22.1.
Variant type: single nucleotide variant.
Coding change: c.698G>A on transcript NM_002863.5 (MANE Select); coding-DNA position 698, G replaced by A.
Protein change: p.Gly233Asp; replaces glycine 233 with aspartic acid.
Molecular consequence: missense variant.
Genome position (GRCh38, 1-based): chr14:50,921,030, C>T on the plus strand (G>A on the coding strand, the complement: PYGL is on the minus strand). VCF-style: chr14-50921030-C-T. GRCh37 (hg19) VCF-style: chr14-51387748-C-T.
Other names: c.596G>A, p.Gly199Asp (NM_001163940.2); short protein forms G233D, G199D.
Identifiers: ClinVar variation 21339 (VCV000021339.11), dbSNP rs113993975, ClinGen allele CA341926.
Genomic context (GRCh38, chr14:50,921,030, plus strand): 5'-AAGTCATTTGGTGCCCGAGCAGACCAGAGGCGCATGGTGTTGACAGTGTTATTCATGTAG[C>T]CGGGCACGGGGGTGTCATATGGCAGAGCCAGGACCACCTGTGGGATTAAACAGAAGCAGC-3'
Protein context (NP_002854.3, residues 223-243): LALPYDTPVP[Gly233Asp]YMNNTVNTMR

ClinVar aggregate classification (germline): Pathogenic. Review status: criteria provided, single submitter (1 of 4 stars). 2 submissions from 2 submitters: Pathogenic (1). 1 of the submissions does not count toward it. Last evaluated 2025-08-21.

Conditions:
Glycogen storage disease, type VI (GSD6). Also called: Glycogen storage disease type 6; Hepatic glycogen phosphorylase deficiency; Glycogen storage disease type 6, due to phosphorylation; GSD VI; HERS DISEASE; PHOSPHORYLASE DEFICIENCY GLYCOGEN-STORAGE DISEASE OF LIVER. Identifiers: Orphanet 369, MedGen C0017925, MONDO:0009294, OMIM 232700.

Allele frequency attached by ClinVar (database versions not stated): gnomAD exomes below 0.00001 and 0.00001; TOPMed below 0.00001.
gnomAD v4.1: 4 of 1,614,160 alleles (0.00025%); highest among the groups gnomAD compares: East Asian, 0.0089%; no homozygotes.

Submissions (2):

Labcorp Genetics (formerly Invitae), Labcorp
Classification: Pathogenic for Glycogen storage disease, type VI. Last evaluated: 2025-08-21. Review status: criteria provided, single submitter. Criteria: Invitae Variant Classification Sherloc (09022015). Collection method: clinical testing. Allele origin: germline.
Comment: This sequence change replaces glycine, which is neutral and non-polar, with aspartic acid, which is acidic and polar, at codon 233 of the PYGL protein (p.Gly233Asp). This variant is present in population databases (rs113993975, gnomAD 0.02%). This missense change has been observed in individuals with clinical features of PYGL-related conditions (PMID: 12809646; internal data). ClinVar contains an entry for this variant (Variation ID: 21339). Invitae Evidence Modeling of protein sequence and biophysical properties (such as structural, functional, and spatial information, amino acid conservation, physicochemical variation, residue mobility, and thermodynamic stability) indicates that this missense variant is expected to disrupt PYGL protein function with a positive predictive value of 80%. This variant disrupts the p.Gly233 amino acid residue in PYGL. Other variant(s) that disrupt this residue have been determined to be pathogenic (PMID: 31508908; internal data). This suggests that this residue is clinically significant, and that variants that disrupt this residue are likely to be disease-causing. For these reasons, this variant has been classified as Pathogenic.

GeneReviews
No classification provided. Condition: Glycogen storage disease, type VI. Review status: no classification provided. Collection method: literature only. Allele origin: unknown. Not counted in ClinVar's aggregate classification.

Literature cited by the submitters: PubMed 12809646 (cited by Labcorp Genetics (formerly Invitae), Labcorp and GeneReviews); PubMed 31508908 (cited by Labcorp Genetics (formerly Invitae), Labcorp); PubMed 20301760 (cited by GeneReviews); NCBI Bookshelf NBK5941 (cited by GeneReviews).